The following is an entry in ClinVar:

NM_000455.5(STK11):c.262A>G (p.Ile88Val)

Gene: STK11 (serine/threonine kinase 11; plus strand). Cytogenetic location: 19p13.3.
Variant type: single nucleotide variant.
Coding change: c.262A>G on transcript NM_000455.5 (MANE Select); coding-DNA position 262, A replaced by G.
Protein change: p.Ile88Val; replaces isoleucine 88 with valine.
Molecular consequence: missense variant.
Genome position (GRCh38, 1-based): chr19:1,207,175, A>G. VCF-style: chr19-1207175-A-G. GRCh37 (hg19) VCF-style: chr19-1207174-A-G.
Other names: short protein forms I88V.
Identifiers: ClinVar variation 1024412 (VCV001024412.8), dbSNP rs2080673286, ClinGen allele CA402944549.

ClinVar aggregate classification (germline): Uncertain significance (1 of 4 stars; one submission).

Conditions:
Peutz-Jeghers syndrome (PJS). Also called: Peutz-Jeghers polyposis; Periorificial lentiginosis syndrome; POLYPOSIS, HAMARTOMATOUS INTESTINAL; POLYPS-AND-SPOTS SYNDROME. Identifiers: Orphanet 2869, MedGen C0031269, MeSH D010580, MONDO:0008280, OMIM 175200.

Submission:

Labcorp Genetics (formerly Invitae), Labcorp
Classification: Uncertain significance for Peutz-Jeghers syndrome. Last evaluated: 2018-03-31. Review status: criteria provided, single submitter. Criteria: Invitae Variant Classification Sherloc (09022015). Collection method: clinical testing. Allele origin: germline.
Comment: This variant is not present in population databases (ExAC no frequency). This sequence change replaces isoleucine with valine at codon 88 of the STK11 protein (p.Ile88Val). The isoleucine residue is highly conserved and there is a small physicochemical difference between isoleucine and valine. This variant has not been reported in the literature in individuals with STK11-related disease. Algorithms developed to predict the effect of missense changes on protein structure and function (SIFT, PolyPhen-2, Align-GVGD) all suggest that this variant is likely to be disruptive, but these predictions have not been confirmed by published functional studies and their clinical significance is uncertain. In summary, the available evidence is currently insufficient to determine the role of this variant in disease. Therefore, it has been classified as a Variant of Uncertain Significance.